The following is an entry in ClinVar:

ClinVar aggregate classification (germline): Uncertain significance (1 of 4 stars; one submission).

Conditions:
Intellectual developmental disorder, autosomal recessive 74 (MRT74). Also called: Sotos syndrome 3. Identifiers: MedGen C4310684, MONDO:0014951, OMIM 617169.

gnomAD v4.1: 2 of 1,607,216 alleles (0.00012%); highest among the groups gnomAD compares: Non-Finnish European, 0.000085%; no homozygotes.

Submission:

Baylor Genetics
Classification: Uncertain significance for Intellectual developmental disorder, autosomal recessive 74. Last evaluated: 2020-04-24. Review status: criteria provided, single submitter. Criteria: ACMG Guidelines, 2015. Collection method: clinical testing. Allele origin: unknown. Affected: yes.
Comment: This variant was determined to be of uncertain significance according to ACMG Guidelines, 2015 [PMID:25741868].

NM_005883.3(APC2):c.583C>T (p.Arg195Cys)

Gene: APC2 (APC regulator of WNT signaling pathway 2; plus strand). Cytogenetic location: 19p13.3.
Variant type: single nucleotide variant.
Coding change: c.583C>T on transcript NM_005883.3 (MANE Select); coding-DNA position 583, C replaced by T.
Protein change: p.Arg195Cys; replaces arginine 195 with cysteine.
Molecular consequence: missense variant.
Genome position (GRCh38, 1-based): chr19:1,455,444, C>T. VCF-style: chr19-1455444-C-T. GRCh37 (hg19) VCF-style: chr19-1455443-C-T.
Other names: c.580C>T, p.Arg194Cys (NM_001351273.1); short protein forms R195C, R194C.
Identifiers: ClinVar variation 1028957 (VCV001028957.1), dbSNP rs1158412843, ClinGen allele CA403013195.
Genomic context (GRCh38, chr19:1,455,444, plus strand): 5'-CAGTTCTCGATGCAGATGGACCTGATCCGGCAGCAGCTTGAGTTCGAGGCCCAGCACATC[C>T]GCTCGCTGATGGAGGAGCGCTTCGGCACCTCGGACGAGATGGTGCAGCGGGCACAGGTGC-3'
Protein context (NP_005874.1, residues 185-205): QQLEFEAQHI[Arg195Cys]SLMEERFGTS